The following is an entry in ClinVar:

NM_001270974.2(HYDIN):c.6958C>T (p.Arg2320Trp)

Gene: HYDIN (HYDIN axonemal central pair apparatus protein; minus strand). Cytogenetic location: 16q22.2.
Variant type: single nucleotide variant.
Coding change: c.6958C>T on transcript NM_001270974.2 (MANE Select); coding-DNA position 6958, C replaced by T.
Protein change: p.Arg2320Trp; replaces arginine 2320 with tryptophan.
Molecular consequence: missense variant.
Genome position (GRCh38, 1-based): chr16:70,938,651, G>A on the plus strand (C>T on the coding strand, the complement: HYDIN is on the minus strand). VCF-style: chr16-70938651-G-A. GRCh37 (hg19) VCF-style: chr16-70972554-G-A.
Other names: c.6958C>T (NM_001270974.1); short protein forms R2320W.
Identifiers: ClinVar variation 3359408 (VCV003359408.2), dbSNP rs138000790.

ClinVar aggregate classification (germline): Uncertain significance. Review status: criteria provided, multiple submitters, no conflicts (2 of 4 stars). 2 submissions from 2 submitters: Uncertain significance (2). Last evaluated 2024-07-17.

gnomAD v4.1: 24 of 1,605,258 alleles (0.0015%); highest among the groups gnomAD compares: African/African-American, 0.0067%; no homozygotes.

Submissions (2):

Blueprint Genetics
Classification: Uncertain significance. Last evaluated: 2024-07-17. Review status: criteria provided, single submitter. Criteria: ACMG Guidelines, 2015. Collection method: clinical testing. Allele origin: germline.

GeneDx
Classification: Uncertain significance. Last evaluated: 2023-06-03. Review status: criteria provided, single submitter. Criteria: GeneDx Variant Classification Process June 2021. Collection method: clinical testing. Allele origin: germline. Affected: yes.
Comment: In silico analysis supports that this missense variant has a deleterious effect on protein structure/function; Has not been previously published as pathogenic or benign to our knowledge